The following is an entry in ClinVar:

ClinVar aggregate classification (germline): Uncertain significance (1 of 4 stars; one submission).

Conditions:
Early-infantile DEE. Also called: Ohtahara syndrome; Early infantile epileptic encephalopathy with suppression bursts; Early infantile epileptic encephalopathy. Identifiers: Orphanet 1934, MedGen C0393706, MONDO:0800491.

Allele frequency attached by ClinVar (database versions not stated): TOPMed below 0.00001; gnomAD exomes 0.00001; gnomAD 0.00002.
gnomAD v4.1: 14 of 1,614,036 alleles (0.00087%); highest among the groups gnomAD compares: Middle Eastern, 0.016%; no homozygotes.

Submission:

Labcorp Genetics (formerly Invitae), Labcorp
Classification: Uncertain significance for Early-infantile DEE. Last evaluated: 2025-10-01. Review status: criteria provided, single submitter. Criteria: Invitae Variant Classification Sherloc (09022015). Collection method: clinical testing. Allele origin: germline.
Comment: This sequence change replaces threonine, which is neutral and polar, with methionine, which is neutral and non-polar, at codon 2018 of the SPTAN1 protein (p.Thr2018Met). This variant is present in population databases (no rsID available, gnomAD 0.007%). This variant has not been reported in the literature in individuals affected with SPTAN1-related conditions. ClinVar contains an entry for this variant (Variation ID: 853868). Invitae Evidence Modeling of protein sequence and biophysical properties (such as structural, functional, and spatial information, amino acid conservation, physicochemical variation, residue mobility, and thermodynamic stability) has been performed for this missense variant. However, the output from this modeling did not meet the statistical confidence thresholds required to predict the impact of this variant on SPTAN1 protein function. In summary, the available evidence is currently insufficient to determine the role of this variant in disease. Therefore, it has been classified as a Variant of Uncertain Significance.

NM_001130438.3(SPTAN1):c.6053C>T (p.Thr2018Met)

Gene: SPTAN1 (spectrin alpha, non-erythrocytic 1; plus strand). Cytogenetic location: 9q34.11.
Variant type: single nucleotide variant.
Coding change: c.6053C>T on transcript NM_001130438.3 (MANE Select); coding-DNA position 6053, C replaced by T.
Protein change: p.Thr2018Met; replaces threonine 2018 with methionine.
Molecular consequence: missense variant.
Genome position (GRCh38, 1-based): chr9:128,625,163, C>T. VCF-style: chr9-128625163-C-T. GRCh37 (hg19) VCF-style: chr9-131387442-C-T.
Other names: c.5978C>T, p.Thr1993Met (NM_001195532.2); c.6053C>T, p.Thr2018Met (NM_001363759.2, NM_001375310.1, NM_001375311.2 and 1 more transcripts); c.5993C>T, p.Thr1998Met (NM_001363765.2, NM_001375314.2); c.6089C>T, p.Thr2030Met (NM_001375312.2, NM_001375318.1); c.6038C>T, p.Thr2013Met (NM_003127.4); short protein forms T1998M, T2013M, T1993M, T2018M, T2030M.
Identifiers: ClinVar variation 853868 (VCV000853868.10), dbSNP rs904934847, ClinGen allele CA200406925.